The following is an entry in ClinVar:

ClinVar aggregate classification (germline): Uncertain significance (1 of 4 stars; one submission).

Conditions:
RASopathy. Also called: Noonan spectrum disorder; rasopathies. Identifiers: Orphanet 536391, MedGen C5555857, MONDO:0021060.

Submission:

Labcorp Genetics (formerly Invitae), Labcorp
Classification: Uncertain significance for RASopathy. Last evaluated: 2021-10-24. Review status: criteria provided, single submitter. Criteria: Invitae Variant Classification Sherloc (09022015). Collection method: clinical testing. Allele origin: germline.
Comment: In summary, the available evidence is currently insufficient to determine the role of this variant in disease. Therefore, it has been classified as a Variant of Uncertain Significance. Advanced modeling of protein sequence and biophysical properties (such as structural, functional, and spatial information, amino acid conservation, physicochemical variation, residue mobility, and thermodynamic stability) performed at Invitae indicates that this missense variant is expected to disrupt RAF1 protein function. This variant has not been reported in the literature in individuals affected with RAF1-related conditions. This variant is not present in population databases (gnomAD no frequency). This sequence change replaces isoleucine, which is neutral and non-polar, with methionine, which is neutral and non-polar, at codon 464 of the RAF1 protein (p.Ile464Met).

NM_002880.4(RAF1):c.1392C>G (p.Ile464Met)

Gene: RAF1 (Raf-1 proto-oncogene, serine/threonine kinase; minus strand). Cytogenetic location: 3p25.2.
Variant type: single nucleotide variant.
Coding change: c.1392C>G on transcript NM_002880.4 (MANE Select); coding-DNA position 1392, C replaced by G.
Protein change: p.Ile464Met; replaces isoleucine 464 with methionine.
Molecular consequence: missense variant. On other transcripts: non-coding transcript variant (3).
Genome position (GRCh38, 1-based): chr3:12,587,616, G>C on the plus strand (C>G on the coding strand, the complement: RAF1 is on the minus strand). VCF-style: chr3-12587616-G-C. GRCh37 (hg19) VCF-style: chr3-12629115-G-C.
Other names: c.1452C>G, p.Ile484Met (NM_001354689.3); c.1392C>G, p.Ile464Met (NM_001354690.3); c.1149C>G, p.Ile383Met (NM_001354691.3, NM_001354692.3); c.1293C>G, p.Ile431Met (NM_001354693.3); c.1209C>G, p.Ile403Met (NM_001354694.3); c.1050C>G, p.Ile350Met (NM_001354695.3); short protein forms I431M, I464M, I484M, I350M, I403M, I383M.
Identifiers: ClinVar variation 1422732 (VCV001422732.6), dbSNP rs2125332012, ClinGen allele CA351500483.